The following is an entry in ClinVar:

NM_001267550.2(TTN):c.106133C>G (p.Ala35378Gly)

Genes: TTN (titin; minus strand), TTN-AS1 (TTN antisense RNA 1; plus strand), LOC129935182 (ATAC-STARR-seq lymphoblastoid active region 16807; plus strand). Cytogenetic location: 2q31.2.
Variant type: single nucleotide variant.
Coding change: c.106133C>G on transcript NM_001267550.2 (MANE Select); coding-DNA position 106133, C replaced by G.
Protein change: p.Ala35378Gly; replaces alanine 35378 with glycine.
Molecular consequence: missense variant.
Genome position (GRCh38, 1-based): chr2:178,530,482, G>C on the plus strand (C>G on the coding strand, the complement: TTN is on the minus strand). VCF-style: chr2-178530482-G-C. GRCh37 (hg19) VCF-style: chr2-179395209-G-C.
Other names: p.A33737G:GCC>GGC; c.101210C>G, p.Ala33737Gly (NM_001256850.1); c.78938C>G, p.Ala26313Gly (NM_003319.4); c.98429C>G, p.Ala32810Gly (NM_133378.4); c.79313C>G, p.Ala26438Gly (NM_133432.3); c.79514C>G, p.Ala26505Gly (NM_133437.4); short protein forms A33737G, A35378G, A26438G, A32810G, A26313G, A26505G.
Identifiers: ClinVar variation 203104 (VCV000203104.10), dbSNP rs555476312, ClinGen allele CA311252.

ClinVar aggregate classification (germline): Conflicting classifications of pathogenicity. Review status: criteria provided, conflicting classifications (1 of 4 stars). 4 submissions from 4 submitters: Uncertain significance (3); Likely benign (1). Last evaluated 2026-09-25.

Conditions:
TTN-related disorder. Also called: TTN-related condition; TTN-related disease; TTN-related disorders.
Dilated cardiomyopathy 1G (CMD1G). Identifiers: Orphanet 154, MedGen C1858763, MONDO:0011400, OMIM 604145.
Autosomal recessive limb-girdle muscular dystrophy type 2J (LGMDR10). Also called: Limb-girdle muscular dystrophy, type 2J; MUSCULAR DYSTROPHY, LIMB-GIRDLE, AUTOSOMAL RECESSIVE 10. Identifiers: Orphanet 140922, MedGen C1837342, MONDO:0012127, OMIM 608807.

Allele frequency attached by ClinVar (database versions not stated): TOPMed 0.00006.
gnomAD v4.1: 66 of 1,613,816 alleles (0.0041%); highest among the groups gnomAD compares: Admixed American, 0.037%; no homozygotes.

Submissions (4):

PreventionGenetics, part of Exact Sciences
Classification: Uncertain significance for TTN-related condition. Last evaluated: 2026-09-25. Review status: criteria provided, single submitter. Criteria: ACMG Guidelines, 2015. Collection method: clinical testing. Allele origin: germline.
Comment: The TTN c.106133C>G variant is predicted to result in the amino acid substitution p.Ala35378Gly. To our knowledge, this variant has not been reported in the literature. This variant is reported in 0.048% of alleles in individuals of Latino descent in gnomAD. At this time, the clinical significance of this variant is uncertain due to the absence of conclusive functional and genetic evidence.

Revvity Omics, Revvity
Classification: Uncertain significance. Last evaluated: 2023-03-31. Review status: criteria provided, single submitter. Criteria: ACMG Guidelines, 2015. Collection method: clinical testing. Allele origin: germline.

GeneDx
Classification: Likely benign. Last evaluated: 2019-12-17. Review status: criteria provided, single submitter. Criteria: GeneDx Variant Classification Process June 2021. Collection method: clinical testing. Allele origin: germline. Affected: yes.

Labcorp Genetics (formerly Invitae), Labcorp
Classification: Uncertain significance for Dilated cardiomyopathy 1G; Autosomal recessive limb-girdle muscular dystrophy type 2J. Last evaluated: 2017-07-18. Review status: criteria provided, single submitter. Criteria: Invitae Variant Classification Sherloc (09022015). Collection method: clinical testing. Allele origin: germline.